The following is an entry in ClinVar:

NM_000136.3(FANCC):c.163A>G (p.Met55Val)

Gene: FANCC (FA complementation group C; minus strand). Cytogenetic location: 9q22.32.
Variant type: single nucleotide variant.
Coding change: c.163A>G on transcript NM_000136.3 (MANE Select); coding-DNA position 163, A replaced by G.
Protein change: p.Met55Val; replaces methionine 55 with valine.
Molecular consequence: missense variant.
Genome position (GRCh38, 1-based): chr9:95,249,129, T>C on the plus strand (A>G on the coding strand, the complement: FANCC is on the minus strand). VCF-style: chr9-95249129-T-C. GRCh37 (hg19) VCF-style: chr9-98011411-T-C.
Other names: c.163A>G, p.Met55Val (NM_001243743.2, NM_001243744.2); short protein forms M55V.
Identifiers: ClinVar variation 1776998 (VCV001776998.2), dbSNP rs2136100336, ClinGen allele CA374340188.

ClinVar aggregate classification (germline): Uncertain significance (1 of 4 stars; one submission).

Conditions:
Hereditary cancer-predisposing syndrome. Also called: Neoplastic Syndromes, Hereditary; Tumor predisposition; Hereditary Cancer Syndrome; Hereditary neoplastic syndrome. Identifiers: Orphanet 140162, MedGen C0027672, MeSH D009386, MONDO:0015356.

Allele frequency attached by ClinVar (database versions not stated): gnomAD exomes below 0.00001.
gnomAD v4.1: 2 of 1,613,824 alleles (0.00012%); highest among the groups gnomAD compares: South Asian, 0.0022%; no homozygotes.

Submission:

Ambry Genetics
Classification: Uncertain significance for Hereditary cancer-predisposing syndrome. Last evaluated: 2021-12-15. Review status: criteria provided, single submitter. Criteria: Ambry Variant Classification Scheme 2023. Collection method: clinical testing. Allele origin: germline.
Comment: The p.M55V variant (also known as c.163A>G), located in coding exon 1 of the FANCC gene, results from an A to G substitution at nucleotide position 163. The methionine at codon 55 is replaced by valine, an amino acid with highly similar properties. This amino acid position is conserved. In addition, this alteration is predicted to be tolerated by in silico analysis. Since supporting evidence is limited at this time, the clinical significance of this alteration remains unclear.